The following is an entry in ClinVar:

NM_001457.4(FLNB):c.472A>G (p.Ile158Val)

Gene: FLNB (filamin B; plus strand). Cytogenetic location: 3p14.3.
Variant type: single nucleotide variant.
Coding change: c.472A>G on transcript NM_001457.4 (MANE Select); coding-DNA position 472, A replaced by G.
Protein change: p.Ile158Val; replaces isoleucine 158 with valine.
Molecular consequence: missense variant.
Genome position (GRCh38, 1-based): chr3:58,077,225, A>G. VCF-style: chr3-58077225-A-G. GRCh37 (hg19) VCF-style: chr3-58062952-A-G.
Other names: c.472A>G, p.Ile158Val (NM_001164317.2, NM_001164318.2, NM_001164319.2); short protein forms I158V.
Identifiers: ClinVar variation 1718781 (VCV001718781.5), dbSNP rs2097202904, ClinGen allele CA353333501.

ClinVar aggregate classification (germline): Uncertain significance (1 of 4 stars; one submission).

Allele frequency attached by ClinVar (database versions not stated): gnomAD exomes below 0.00001; gnomAD 0.00001.
gnomAD v4.1: 2 of 1,614,068 alleles (0.00012%); highest among the groups gnomAD compares: Non-Finnish European, 0.00017%; no homozygotes.

Submission:

Labcorp Genetics (formerly Invitae), Labcorp
Classification: Uncertain significance. Last evaluated: 2022-09-03. Review status: criteria provided, single submitter. Criteria: Invitae Variant Classification Sherloc (09022015). Collection method: clinical testing. Allele origin: germline.
Comment: In summary, the available evidence is currently insufficient to determine the role of this variant in disease. Therefore, it has been classified as a Variant of Uncertain Significance. Advanced modeling of protein sequence and biophysical properties (such as structural, functional, and spatial information, amino acid conservation, physicochemical variation, residue mobility, and thermodynamic stability) performed at Invitae indicates that this missense variant is not expected to disrupt FLNB protein function. This variant has not been reported in the literature in individuals affected with FLNB-related conditions. This variant is not present in population databases (gnomAD no frequency). This sequence change replaces isoleucine, which is neutral and non-polar, with valine, which is neutral and non-polar, at codon 158 of the FLNB protein (p.Ile158Val).